The following is an entry in ClinVar:

NM_000359.3(TGM1):c.953C>G (p.Pro318Arg)

Gene: TGM1 (transglutaminase 1; minus strand). Cytogenetic location: 14q12.
Variant type: single nucleotide variant.
Coding change: c.953C>G on transcript NM_000359.3 (MANE Select); coding-DNA position 953, C replaced by G.
Protein change: p.Pro318Arg; replaces proline 318 with arginine.
Molecular consequence: missense variant.
Genome position (GRCh38, 1-based): chr14:24,259,735, G>C on the plus strand (C>G on the coding strand, the complement: TGM1 is on the minus strand). VCF-style: chr14-24259735-G-C. GRCh37 (hg19) VCF-style: chr14-24728941-G-C.
Other names: short protein forms P318R.
Identifiers: ClinVar variation 1172647 (VCV001172647.1), dbSNP rs2139024935, ClinGen allele CA389267941.

ClinVar aggregate classification (germline): Likely pathogenic (1 of 4 stars; one submission).

Conditions:
Congenital ichthyosiform erythroderma. Identifiers: MedGen C0079583, HP:0007431.

Submission:

Equipe Genetique des Anomalies du Developpement, Université de Bourgogne
Classification: Likely pathogenic for Congenital ichthyosiform erythroderma. Review status: criteria provided, single submitter. Criteria: ACMG Guidelines, 2015. Collection method: clinical testing. Allele origin: paternal. Affected: yes.